The following is an entry in ClinVar:

NM_006885.4(ZFHX3):c.10557T>C (p.Gly3519=)

Genes: ZFHX3 (zinc finger homeobox 3; minus strand), ZFHX3-AS1 (ZFHX3 antisense RNA 1; plus strand). Cytogenetic location: 16q22.2.
Variant type: single nucleotide variant.
Coding change: c.10557T>C on transcript NM_006885.4 (MANE Select); coding-DNA position 10557, T replaced by C.
Protein change: p.Gly3519=; no amino-acid change (glycine 3519 retained).
Molecular consequence: synonymous variant.
Genome position (GRCh38, 1-based): chr16:72,787,719, A>G on the plus strand (T>C on the coding strand, the complement: ZFHX3 is on the minus strand). VCF-style: chr16-72787719-A-G. GRCh37 (hg19) VCF-style: chr16-72821618-A-G.
Other names: c.7815T>C, p.Gly2605= (NM_001164766.2); c.10557T>C, p.Gly3519= (NM_001386735.1).
Identifiers: ClinVar variation 2512718 (VCV002512718.15), dbSNP rs112443847, ClinGen allele CA8162413.

ClinVar aggregate classification (germline): Benign/Likely benign. Review status: criteria provided, multiple submitters, no conflicts (2 of 4 stars). 2 submissions from 2 submitters: Benign (1); Likely benign (1). Last evaluated 2026-09-01.

Allele frequency attached by ClinVar (database versions not stated): ExAC 0.00923; gnomAD exomes 0.01041; gnomAD 0.01106.
gnomAD v4.1: 13,568 of 1,294,142 alleles (1%); highest among the groups gnomAD compares: South Asian, 1.2%; 70 homozygotes.

Submissions (2):

CeGaT Center for Human Genetics Tuebingen
Classification: Benign. Last evaluated: 2026-09-01. Review status: criteria provided, single submitter. Criteria: CeGaT Center For Human Genetics Tuebingen Variant Classification Criteria Version 2. Collection method: clinical testing. Allele origin: germline. Affected: yes. Observed: 12 variant alleles.
Comment: ZFHX3: BP4, BP7, BS1, BS2

Ambry Genetics
Classification: Likely benign. Last evaluated: 2023-06-02. Review status: criteria provided, single submitter. Criteria: Ambry Variant Classification Scheme 2023. Collection method: clinical testing. Allele origin: germline.